The following is an entry in ClinVar:

NM_004260.4(RECQL4):c.3573C>T (p.Ser1191=)

Gene: RECQL4 (RecQ like helicase 4; minus strand). Cytogenetic location: 8q24.3.
Variant type: single nucleotide variant.
Coding change: c.3573C>T on transcript NM_004260.4 (MANE Select); coding-DNA position 3573, C replaced by T.
Protein change: p.Ser1191=; no amino-acid change (serine 1191 retained).
Molecular consequence: synonymous variant.
Genome position (GRCh38, 1-based): chr8:144,511,485, G>A on the plus strand (C>T on the coding strand, the complement: RECQL4 is on the minus strand). VCF-style: chr8-144511485-G-A. GRCh37 (hg19) VCF-style: chr8-145736868-G-A.
Identifiers: ClinVar variation 239767 (VCV000239767.12), dbSNP rs199885535, ClinGen allele CA4947640.

ClinVar aggregate classification (germline): Conflicting classifications of pathogenicity. Review status: criteria provided, conflicting classifications (1 of 4 stars). 2 submissions from 2 submitters: Uncertain significance (1); Likely benign (1). Last evaluated 2025-11-22.

Conditions:
Hereditary cancer-predisposing syndrome. Also called: Neoplastic Syndromes, Hereditary; Tumor predisposition; Hereditary neoplastic syndrome; Hereditary Cancer Syndrome. Identifiers: Orphanet 140162, MedGen C0027672, MeSH D009386, MONDO:0015356.
Baller-Gerold syndrome (BGS). Also called: CRANIOSYNOSTOSIS WITH RADIAL DEFECTS. Identifiers: Orphanet 1225, MedGen C0265308, MONDO:0009039, OMIM 218600.

Allele frequency attached by ClinVar (database versions not stated): ExAC 0.00013; gnomAD 0.00014 and 0.00015; gnomAD exomes 0.00017; TOPMed 0.00019; ESP Exome Variant Server 0.00024.
gnomAD v4.1: 182 of 1,612,618 alleles (0.011%); highest among the groups gnomAD compares: Admixed American, 0.018%; no homozygotes.

Submissions (2):

Labcorp Genetics (formerly Invitae), Labcorp
Classification: Likely benign for Baller-Gerold syndrome. Last evaluated: 2025-11-22. Review status: criteria provided, single submitter. Criteria: Invitae Variant Classification Sherloc (09022015). Collection method: clinical testing. Allele origin: germline.

Sema4
Classification: Uncertain significance for Hereditary cancer-predisposing syndrome. Last evaluated: 2021-08-19. Review status: criteria provided, single submitter. Criteria: Sema4 Curation Guidelines. Collection method: curation. Allele origin: germline.
Comment: The RECQL4 c.3573C>T (p.S1191=) variant has not been reported in the literature to our knowledge. It was observed in 33/10272 chromosomes of the Ashkenazi Jewish subpopulation, with no homozygotes, in the large and broad cohorts of the Genome Aggregation Database (PMID: 32461654). The variant has been reported in ClinVar (Variation ID 239767). The position is moderately conserved and in silico tools suggest that the variant does not impact splicing, though these predictions have not been confirmed by functional studies. The evidence is insufficient to meet ACMG/AMP criteria for classifying the variant as benign or pathogenic. Thus, the clinical significance of this variant is currently uncertain.